The following is an entry in ClinVar:

ClinVar aggregate classification (germline): Pathogenic (1 of 4 stars; one submission).

Conditions:
Developmental and epileptic encephalopathy, 23 (DEE23). Also called: Epileptic encephalopathy, early infantile, 23. Identifiers: Orphanet 411986, MedGen C4014492, MONDO:0014371, OMIM 615859.

Submission:

Labcorp Genetics (formerly Invitae), Labcorp
Classification: Pathogenic for Developmental and epileptic encephalopathy, 23. Last evaluated: 2022-05-17. Review status: criteria provided, single submitter. Criteria: Invitae Variant Classification Sherloc (09022015). Collection method: clinical testing. Allele origin: germline.
Comment: For these reasons, this variant has been classified as Pathogenic. This variant has not been reported in the literature in individuals affected with DOCK7-related conditions. This variant is present in population databases (no rsID available, gnomAD 0.007%). This sequence change creates a premature translational stop signal (p.Asn2023Lysfs*14) in the DOCK7 gene. It is expected to result in an absent or disrupted protein product. Loss-of-function variants in DOCK7 are known to be pathogenic (PMID: 24814191).

Literature cited by the submitters: PubMed 24814191.

NM_001367561.1(DOCK7):c.6101dup (p.Asn2034fs)

Gene: DOCK7 (dedicator of cytokinesis 7; minus strand). Cytogenetic location: 1p31.3.
Variant type: Duplication.
Coding change: c.6101dup on transcript NM_001367561.1 (MANE Select); coding-DNA position 6101, one base duplicated (A; older notation c.6101dupA).
Protein change: p.Asn2034fs; shifts the reading frame from asparagine 2034.
Molecular consequence: frameshift variant.
Genome position (GRCh38, 1-based): chr1:62,475,212, T duplicated on the plus strand (A on the coding strand, the reverse complement: DOCK7 is on the minus strand); the first of 2 consecutive T bases (chr1:62,475,212-62,475,213); duplicating either gives the same sequence. VCF-style (leftmost placement, unchanged base first): chr1-62475211-A-AT. GRCh37 (hg19) VCF-style: chr1-62940882-A-AT.
Other names: c.6068dup, p.Asn2023fs (NM_001271999.2); c.5981dup, p.Asn1994fs (NM_001272000.2); c.5975dup, p.Asn1992fs (NM_001272001.2); c.6074dup, p.Asn2025fs (NM_001330614.2); c.6008dup, p.Asn2003fs (NM_033407.4); short protein forms N1992fs, N1994fs, N2025fs, N2003fs, N2023fs, N2034fs.
Identifiers: ClinVar variation 1995558 (VCV001995558.4), dbSNP rs1203983920, ClinGen allele CA523528277.